The following is an entry in ClinVar:

ClinVar aggregate classification (germline): Conflicting classifications of pathogenicity. Review status: criteria provided, conflicting classifications (1 of 4 stars). 3 submissions from 3 submitters: Uncertain significance (1); Benign (1); Likely benign (1). Last evaluated 2025-08-02.

Conditions:
TNF receptor-associated periodic fever syndrome (TRAPS) (FPF). Also called: TNF RECEPTOR-ASSOCIATED PERIODIC SYNDROME; TUMOR NECROSIS FACTOR RECEPTOR-ASSOCIATED PERIODIC SYNDROME; FAMILIAL HIBERNIAN FEVER; TNF receptor 1-associated periodic fever syndrome; TNF Receptor-Associated Periodic Fever Syndrome; Autosomal Dominant Familial Periodic Fever. Identifiers: Orphanet 32960, MedGen C1275126, MONDO:0007727, OMIM 142680.

Allele frequency attached by ClinVar (database versions not stated): gnomAD 0.00001; gnomAD exomes 0.00001 and 0.00004; ExAC 0.00004; TOPMed 0.00012; 1000 Genomes Project 0.00020; 1000 Genomes Project 30x 0.00031.

Submissions (3):

Labcorp Genetics (formerly Invitae), Labcorp
Classification: Likely benign for TNF receptor-associated periodic fever syndrome (TRAPS). Last evaluated: 2025-08-02. Review status: criteria provided, single submitter. Criteria: Invitae Variant Classification Sherloc (09022015). Collection method: clinical testing. Allele origin: germline.

ARUP Laboratories, Molecular Genetics and Genomics, ARUP Laboratories
Classification: Uncertain significance. Last evaluated: 2018-10-01. Review status: criteria provided, single submitter. Criteria: ARUP Molecular Germline Variant Investigation Process. Collection method: clinical testing. Allele origin: germline.
Comment: The TNFRSF1A c.482A>G; p.Lys161Arg variant (rs578112440) variant, to our knowledge, is absent from the medical literature and gene-specific databases. This variant is found in the general population with an overall allele frequency of 0.004% (11/277190 alleles) in the Genome Aggregation Database. The lysine at this position is moderately conserved across species and computational algorithms (PolyPhen-2, SIFT) predict this variant is tolerated. Considering available information, the clinical significance of this variant is uncertain.

GeneDx
Classification: Benign. Last evaluated: 2015-03-03. Review status: criteria provided, single submitter. Criteria: GeneDx Variant Classification Process June 2021. Collection method: clinical testing. Allele origin: germline. Affected: yes.

NM_001065.4(TNFRSF1A):c.482A>G (p.Lys161Arg)

Gene: TNFRSF1A (TNF receptor superfamily member 1A; minus strand). Cytogenetic location: 12p13.31.
Variant type: single nucleotide variant.
Coding change: c.482A>G on transcript NM_001065.4 (MANE Select); coding-DNA position 482, A replaced by G.
Protein change: p.Lys161Arg; replaces lysine 161 with arginine.
Molecular consequence: missense variant. On other transcripts: 5 prime UTR variant (1), non-coding transcript variant (1).
Genome position (GRCh38, 1-based): chr12:6,333,138, T>C on the plus strand (A>G on the coding strand, the complement: TNFRSF1A is on the minus strand). VCF-style: chr12-6333138-T-C. GRCh37 (hg19) VCF-style: chr12-6442304-T-C.
Other names: c.158A>G, p.Lys53Arg (NM_001346091.2); c.-96A>G (NM_001346092.2); short protein forms K161R, K53R.
Identifiers: ClinVar variation 811764 (VCV000811764.18), dbSNP rs578112440, ClinGen allele CA6405489.